The following is an entry in ClinVar:

ClinVar aggregate classification (germline): Likely benign. Review status: criteria provided, multiple submitters, no conflicts (2 of 4 stars). 4 submissions from 4 submitters: Likely benign (4). Last evaluated 2025-10-09.

Conditions:
Familial thoracic aortic aneurysm and aortic dissection (TAAD). Also called: Thoracic aortic aneurysms and dissections. Identifiers: Orphanet 91387, MedGen C4707243, MONDO:0019625.
Ehlers-Danlos syndrome, type 4 (EDSVASC). Also called: Ehlers-Danlos syndrome vascular type; Ehlers Danlos syndrome, ecchymotic type; Ehlers Danlos syndrome, arterial type; Ehlers Danlos syndrome, Sack-Barabas type; Ehlers-Danlos Syndrome Type IV. Identifiers: Orphanet 286, MedGen C0268338, MONDO:0017314, OMIM 130050.

Allele frequency attached by ClinVar (database versions not stated): gnomAD 0.00002 and 0.00003; gnomAD exomes 0.00003 and 0.00006; TOPMed 0.00004; ExAC 0.00007; 1000 Genomes Project 30x 0.00016; 1000 Genomes Project 0.00020.
gnomAD v4.1: 25 of 1,614,190 alleles (0.0015%); highest among the groups gnomAD compares: East Asian, 0.049%; no homozygotes.

Submissions (4):

Labcorp Genetics (formerly Invitae), Labcorp
Classification: Likely benign for Ehlers-Danlos syndrome, type 4. Last evaluated: 2025-10-09. Review status: criteria provided, single submitter. Criteria: Invitae Variant Classification Sherloc (09022015). Collection method: clinical testing. Allele origin: germline.

All of Us Research Program, National Institutes of Health
Classification: Likely benign for Ehlers-Danlos syndrome, type 4. Last evaluated: 2023-10-02. Review status: criteria provided, single submitter. Criteria: ACMG Guidelines, 2015. Collection method: clinical testing. Allele origin: germline. Inheritance: Autosomal dominant inheritance. Observed: 3 variant alleles, 3 heterozygotes.
Comment: This study involves interpretation of variants in research participants for the purpose of population health screening. Participant phenotype was not available at the time of variant classification. Additional details can be found in publication PMID: 35346344, PMCID: PMC8962531

Color Diagnostics, LLC DBA Color Health
Classification: Likely benign for Familial thoracic aortic aneurysm and aortic dissection. Last evaluated: 2020-02-24. Review status: criteria provided, single submitter. Criteria: ACMG Guidelines, 2015. Collection method: clinical testing. Allele origin: germline.

GeneDx
Classification: Likely benign. Last evaluated: 2017-05-30. Review status: criteria provided, single submitter. Criteria: GeneDx Variant Classification (06012015). Collection method: clinical testing. Allele origin: germline. Affected: yes.
Comment: This variant is considered likely benign or benign based on one or more of the following criteria: it is a conservative change, it occurs at a poorly conserved position in the protein, it is predicted to be benign by multiple in silico algorithms, and/or has population frequency not consistent with disease.

NM_000090.4(COL3A1):c.3776C>T (p.Ala1259Val)

Gene: COL3A1 (collagen type III alpha 1 chain; plus strand). Cytogenetic location: 2q32.2.
Variant type: single nucleotide variant.
Coding change: c.3776C>T on transcript NM_000090.4 (MANE Select); coding-DNA position 3776, C replaced by T.
Protein change: p.Ala1259Val; replaces alanine 1259 with valine.
Molecular consequence: missense variant.
Genome position (GRCh38, 1-based): chr2:189,009,174, C>T. VCF-style: chr2-189009174-C-T. GRCh37 (hg19) VCF-style: chr2-189873900-C-T.
Other names: short protein forms A1259V.
Identifiers: ClinVar variation 516866 (VCV000516866.14), dbSNP rs148387626, ClinGen allele CA076275.